The following is an entry in ClinVar:

ClinVar aggregate classification (germline): Uncertain significance. Review status: criteria provided, multiple submitters, no conflicts (2 of 4 stars). 2 submissions from 2 submitters: Uncertain significance (2). Last evaluated 2025-05-12.

Conditions:
Mucopolysaccharidosis, MPS-III-B (MPS3B). Also called: N-ACETYL-ALPHA-D-GLUCOSAMINIDASE DEFICIENCY; NAGLU DEFICIENCY; SANFILIPPO SYNDROME B; MPS III B; MPS IIIB (Sanfilippo Syndrome Type B); MUCOPOLYSACCHARIDOSIS, TYPE IIIB. Identifiers: Orphanet 79270, MedGen C0086648, MONDO:0009656, OMIM 252920.
Charcot-Marie-Tooth disease axonal type 2V. Also called: CHARCOT-MARIE-TOOTH NEUROPATHY, TYPE 2V; CHARCOT-MARIE-TOOTH DISEASE, AXONAL, AUTOSOMAL DOMINANT, TYPE 2V. Identifiers: Orphanet 447964, MedGen C5569050, MONDO:0014665, OMIM 616491.

Allele frequency attached by ClinVar (database versions not stated): TOPMed 0.00001; ExAC 0.00003; gnomAD exomes 0.00001.
gnomAD v4.1: 8 of 1,609,506 alleles (0.0005%); highest among the groups gnomAD compares: East Asian, 0.016%; no homozygotes.

Submissions (2):

Mayo Clinic Laboratories, Mayo Clinic
Classification: Uncertain significance. Last evaluated: 2025-05-12. Review status: criteria provided, single submitter. Criteria: ACMG Guidelines, 2015. Collection method: clinical testing. Allele origin: germline. Observed: 1 variant allele.
Comment: BS3, PP3

Labcorp Genetics (formerly Invitae), Labcorp
Classification: Uncertain significance for Charcot-Marie-Tooth disease axonal type 2V; Mucopolysaccharidosis, MPS-III-B. Last evaluated: 2022-07-05. Review status: criteria provided, single submitter. Criteria: Invitae Variant Classification Sherloc (09022015). Collection method: clinical testing. Allele origin: germline.
Comment: This sequence change replaces glycine, which is neutral and non-polar, with arginine, which is basic and polar, at codon 595 of the NAGLU protein (p.Gly595Arg). This variant is present in population databases (rs773277748, gnomAD 0.02%). This variant has not been reported in the literature in individuals affected with NAGLU-related conditions. ClinVar contains an entry for this variant (Variation ID: 1422265). Advanced modeling of protein sequence and biophysical properties (such as structural, functional, and spatial information, amino acid conservation, physicochemical variation, residue mobility, and thermodynamic stability) performed at Invitae indicates that this missense variant is expected to disrupt NAGLU protein function. Experimental studies are conflicting or provide insufficient evidence to determine the effect of this variant on NAGLU function (PMID: 29979746). In summary, the available evidence is currently insufficient to determine the role of this variant in disease. Therefore, it has been classified as a Variant of Uncertain Significance.

Literature cited by the submitters: PubMed 29979746 (cited by Mayo Clinic Laboratories, Mayo Clinic and Labcorp Genetics (formerly Invitae), Labcorp).

NM_000263.4(NAGLU):c.1783G>A (p.Gly595Arg)

Gene: NAGLU (N-acetyl-alpha-glucosaminidase; plus strand). Cytogenetic location: 17q21.2.
Variant type: single nucleotide variant.
Coding change: c.1783G>A on transcript NM_000263.4 (MANE Select); coding-DNA position 1783, G replaced by A.
Protein change: p.Gly595Arg; replaces glycine 595 with arginine.
Molecular consequence: missense variant.
Genome position (GRCh38, 1-based): chr17:42,543,789, G>A. VCF-style: chr17-42543789-G-A. GRCh37 (hg19) VCF-style: chr17-40695807-G-A.
Other names: p.Gly595Arg; short protein forms G595R.
Identifiers: ClinVar variation 1422265 (VCV001422265.4), dbSNP rs773277748, ClinGen allele CA8577090.